The following is an entry in ClinVar:

NM_001130144.3(LTBP3):c.942C>T (p.Ser314=)

Gene: LTBP3 (latent transforming growth factor beta binding protein 3; minus strand). Cytogenetic location: 11q13.1.
Variant type: single nucleotide variant.
Coding change: c.942C>T on transcript NM_001130144.3 (MANE Select); coding-DNA position 942, C replaced by T.
Protein change: p.Ser314=; no amino-acid change (serine 314 retained).
Molecular consequence: synonymous variant.
Genome position (GRCh38, 1-based): chr11:65,553,453, G>A on the plus strand (C>T on the coding strand, the complement: LTBP3 is on the minus strand). VCF-style: chr11-65553453-G-A. GRCh37 (hg19) VCF-style: chr11-65320924-G-A.
Other names: c.591C>T, p.Ser197= (NM_001164266.1); c.942C>T, p.Ser314= (NM_021070.4).
Identifiers: ClinVar variation 2097212 (VCV002097212.4), dbSNP rs2496174242, ClinGen allele CA475035406.

ClinVar aggregate classification (germline): Uncertain significance (1 of 4 stars; one submission).

Conditions:
Brachyolmia-amelogenesis imperfecta syndrome. Also called: Tooth agenesis, selective, 6; Dental anomalies and short stature; PLATYSPONDYLY WITH AMELOGENESIS IMPERFECTA. Identifiers: Orphanet 2899, MedGen C1832594, MONDO:0011018, OMIM 601216. Disease mechanism: loss of function.

Submission:

Labcorp Genetics (formerly Invitae), Labcorp
Classification: Uncertain significance for Brachyolmia-amelogenesis imperfecta syndrome. Last evaluated: 2022-02-12. Review status: criteria provided, single submitter. Criteria: Invitae Variant Classification Sherloc (09022015). Collection method: clinical testing. Allele origin: germline.
Comment: This sequence change affects codon 314 of the LTBP3 mRNA. It is a 'silent' change, meaning that it does not change the encoded amino acid sequence of the LTBP3 protein. This variant is not present in population databases (gnomAD no frequency). This variant has not been reported in the literature in individuals affected with LTBP3-related conditions. Algorithms developed to predict the effect of sequence changes on RNA splicing suggest that this variant may create or strengthen a splice site. In summary, the available evidence is currently insufficient to determine the role of this variant in disease. Therefore, it has been classified as a Variant of Uncertain Significance.